The following is an entry in ClinVar:

ClinVar aggregate classification (germline): Uncertain significance (1 of 4 stars; one submission).

Conditions:
Hereditary cancer-predisposing syndrome. Also called: Hereditary Cancer Syndrome; Hereditary neoplastic syndrome; Neoplastic Syndromes, Hereditary; Tumor predisposition. Identifiers: Orphanet 140162, MedGen C0027672, MeSH D009386, MONDO:0015356.

Submission:

Ambry Genetics
Classification: Uncertain significance for Hereditary cancer-predisposing syndrome. Last evaluated: 2025-05-05. Review status: criteria provided, single submitter. Criteria: Ambry Variant Classification Scheme 2023. Collection method: clinical testing. Allele origin: germline.
Comment: The p.G462R variant (also known as c.1384G>C), located in coding exon 14 of the MUTYH gene, results from a G to C substitution at nucleotide position 1384. The glycine at codon 462 is replaced by arginine, an amino acid with dissimilar properties. This amino acid position is conserved. In addition, the in silico prediction for this alteration is inconclusive. Based on the available evidence, the clinical significance of this variant remains unclear.

NM_001048174.2(MUTYH):c.1300G>C (p.Gly434Arg)

Gene: MUTYH (mutY DNA glycosylase; minus strand). Cytogenetic location: 1p34.1.
Variant type: single nucleotide variant.
Coding change: c.1300G>C on transcript NM_001048174.2 (MANE Select); coding-DNA position 1300, G replaced by C.
Protein change: p.Gly434Arg; replaces glycine 434 with arginine.
Molecular consequence: missense variant. On other transcripts: non-coding transcript variant (7).
Genome position (GRCh38, 1-based): chr1:45,331,274, C>G on the plus strand (G>C on the coding strand, the complement: MUTYH is on the minus strand). VCF-style: chr1-45331274-C-G. GRCh37 (hg19) VCF-style: chr1-45796946-C-G.
Other names: c.1300G>C, p.Gly434Arg (NM_001048171.2, NM_001048173.2, NM_001293195.2 and 6 more transcripts); c.1303G>C, p.Gly435Arg (NM_001048172.2, NM_001407071.1, NM_001407078.1 and 1 more transcripts); c.1384G>C, p.Gly462Arg (NM_001128425.2); c.1345G>C, p.Gly449Arg (NM_001293190.2); c.1333G>C, p.Gly445Arg (NM_001293191.2, NM_001407069.1, NM_001407077.1); c.1024G>C, p.Gly342Arg (NM_001293192.2, NM_001293196.2, NM_001407091.1); c.955G>C, p.Gly319Arg (NM_001350650.2, NM_001350651.2, NM_001407082.1); c.1216G>C, p.Gly406Arg (NM_001407075.1); and 5 more; short protein forms G342R, G406R, G420R, G421R, G462R, G434R, G435R, G449R.
Identifiers: ClinVar variation 3914954 (VCV003914954.1).